The following is an entry in ClinVar:

ClinVar aggregate classification (germline): Pathogenic (1 of 4 stars; one submission).

Conditions:
Familial focal epilepsy with variable foci (FPEVF). Identifiers: Orphanet 98820, MedGen C1858477, MONDO:0020310.

Submission:

Labcorp Genetics (formerly Invitae), Labcorp
Classification: Pathogenic for Familial focal epilepsy with variable foci. Last evaluated: 2022-02-04. Review status: criteria provided, single submitter. Criteria: Invitae Variant Classification Sherloc (09022015). Collection method: clinical testing. Allele origin: germline.
Comment: For these reasons, this variant has been classified as Pathogenic. ClinVar contains an entry for this variant (Variation ID: 842113). This variant has not been reported in the literature in individuals affected with DEPDC5-related conditions. This variant is not present in population databases (gnomAD no frequency). This sequence change creates a premature translational stop signal (p.Tyr226*) in the DEPDC5 gene. It is expected to result in an absent or disrupted protein product. Loss-of-function variants in DEPDC5 are known to be pathogenic (PMID: 23542697, 23542701).

Literature cited by the submitters: PubMed 23542697; PubMed 23542701.

NM_001242896.3(DEPDC5):c.677dup (p.Tyr226Ter)

Gene: DEPDC5 (DEP domain containing 5, GATOR1 subcomplex subunit; plus strand). Cytogenetic location: 22q12.2.
Variant type: Duplication.
Coding change: c.677dup on transcript NM_001242896.3 (MANE Select); coding-DNA position 677, one base duplicated (A; older notation c.677dupA).
Protein change: p.Tyr226Ter; replaces tyrosine 226 with a stop codon.
Molecular consequence: nonsense. On other transcripts: non-coding transcript variant (5).
Genome position (GRCh38, 1-based): chr22:31,792,085, A duplicated. VCF-style (leftmost placement, unchanged base first): chr22-31792084-T-TA. GRCh37 (hg19) VCF-style: chr22-32188070-T-TA.
Other names: c.677dup, p.Tyr226Ter (NM_001007188.4, NM_001136029.4, NM_001242897.2 and 7 more transcripts); c.593dup, p.Tyr198Ter (NM_001369901.1, NM_001369902.1); short protein forms Y198*, Y226*.
Identifiers: ClinVar variation 842113 (VCV000842113.7), dbSNP rs2085727988, ClinGen allele CA916083818.
Genomic context (GRCh38, chr22:31,792,084, plus strand): 5'-CATGCTTAGGAGAAGAACTGTAGTCATGAAGTGACAGTGGTCCTGTTTTCTAGAACTTTC[T>TA]ATGATGCAAAATCTGTTGGTGAGTAACTATTTCTCTCCTACAGTTATGTTTTTGTTAAGC-3'